The following is an entry in ClinVar:

NM_000257.4(MYH7):c.3853+7C>T

Gene: MYH7 (myosin heavy chain 7; minus strand). Cytogenetic location: 14q11.2.
Variant type: single nucleotide variant.
Coding change: c.3853+7C>T on transcript NM_000257.4 (MANE Select); 7 bases into the intron after coding-DNA position 3853, C replaced by T.
Molecular consequence: intron variant.
Genome position (GRCh38, 1-based): chr14:23,419,476, G>A on the plus strand (C>T on the coding strand, the complement: MYH7 is on the minus strand). VCF-style: chr14-23419476-G-A. GRCh37 (hg19) VCF-style: chr14-23888685-G-A.
Other names: NM_000257.3(MYH7):c.3853+7C>T; p.?.
Identifiers: ClinVar variation 42977 (VCV000042977.84), dbSNP rs45467397, ClinGen allele CA014162.

ClinVar aggregate classification (germline): Benign. Review status: reviewed by expert panel (3 of 4 stars). 21 submissions from 19 submitters: Benign (1). 20 of the submissions do not count toward it. Last evaluated 2025-11-11.

Conditions:
Myosin storage myopathy (CMYO7A). Also called: MYH7-related late-onset scapuloperoneal muscular dystrophy; Congenital myopathy 7A, myosin storage, autosomal dominant; Scapuloperoneal myopathy, MYH7-related; MYOPATHY WITH LYSIS OF TYPE I MYOFIBRILS; SCAPULOPERONEAL MUSCULAR DYSTROPHY; SCAPULOPERONEAL SYNDROME, MYOPATHIC TYPE. Identifiers: Orphanet 437572, Orphanet 636965, MedGen C1842160, MONDO:0008409, OMIM 608358.
Cardiomyopathy (CMYO). Also called: Cardiomyopathies. Identifiers: Orphanet 167848, MedGen C0878544, MONDO:0004994, HP:0001638. Inheritance: Various modes of inheritance.
Hypertrophic cardiomyopathy 1 (CMH1). Also called: Familial hypertrophic cardiomyopathy 1; MYH7-Related Familial Hypertrophic Cardiomyopathy. Identifiers: MedGen C3495498, MONDO:0008647, OMIM 192600.
MYH7-related skeletal myopathy. Also called: Myopathy, distal, 1; MYOPATHY, DISTAL, EARLY-ONSET, AUTOSOMAL DOMINANT; MYOPATHY, LATE DISTAL HEREDITARY; Laing distal myopathy; Laing early-onset distal myopathy. Identifiers: Orphanet 59135, MedGen C4552004, MONDO:0008050, OMIM 160500.
Hypertrophic cardiomyopathy. Also called: HYPERTROPHIC MYOCARDIOPATHY. Identifiers: Orphanet 217569, MedGen C0007194, MeSH D002312, MONDO:0005045, HP:0001639.

Allele frequency attached by ClinVar (database versions not stated): gnomAD exomes 0.00230 and 0.00370; 1000 Genomes Project 0.00120; ExAC 0.00229; TOPMed 0.00246; gnomAD 0.00239 and 0.00247; ESP Exome Variant Server 0.00361; 1000 Genomes Project 30x 0.00125.
gnomAD v4.1: 5,722 of 1,613,940 alleles (0.35%); highest among the groups gnomAD compares: Non-Finnish European, 0.45%; 16 homozygotes.

Submissions (21):

ClinGen Cardiomyopathy Variant Curation Expert Panel
Classification: Benign for Hypertrophic cardiomyopathy. Last evaluated: 2025-11-11. Review status: reviewed by expert panel. Criteria: ClinGen CMP ACMG Specifications v1. Collection method: curation. Allele origin: germline. Inheritance: Autosomal dominant inheritance.
Comment: The filtering allele frequency of the c.3853+7C>T variant in the MYH7 gene is 0.32% (239/66734) of European chromosomes by the Exome Aggregation Consortium, which is a high enough frequency to be classified as benign based on thresholds defined by the ClinGen Inherited Cardiomyopathy Expert Panel (BA1; PMID:29300372).

CeGaT Center for Human Genetics Tuebingen
Classification: Likely benign. Last evaluated: 2026-09-01. Review status: criteria provided, single submitter. Criteria: CeGaT Center For Human Genetics Tuebingen Variant Classification Criteria Version 2. Collection method: clinical testing. Allele origin: germline. Affected: yes. Observed: 34 variant alleles. Not counted in ClinVar's aggregate classification.
Comment: MYH7: BP4, BS2

Dasa
Classification: Benign. Last evaluated: 2026-02-06. Review status: criteria provided, single submitter. Criteria: DASA Assertion Criteria. Collection method: clinical testing. Allele origin: germline. Not counted in ClinVar's aggregate classification.
Comment: NM_000257.4(MYH7):c.3853+7C>T is interpreted as benign based on a combination of available evidence, which may include population frequency, observations in unaffected individuals, intact protein function, lack of segregation with disease, in silico models, amino acid conservation, lack of disease association in case-control studies, and/or inconsistency with the known disease mechanism or impacted region. Based on the available data, this variant is classified as benign.

Labcorp Genetics (formerly Invitae), Labcorp
Classification: Benign for Hypertrophic cardiomyopathy. Last evaluated: 2026-02-03. Review status: criteria provided, single submitter. Criteria: Invitae Variant Classification Sherloc (09022015). Collection method: clinical testing. Allele origin: germline. Not counted in ClinVar's aggregate classification.

Molecular Diagnostic Laboratory for Inherited Cardiovascular Disease, Montreal Heart Institute
Classification: Benign. Last evaluated: 2025-04-09. Review status: criteria provided, single submitter. Criteria: ACMG Guidelines, 2015. Collection method: clinical testing. Allele origin: germline. Affected: no. Not counted in ClinVar's aggregate classification.

ARUP Laboratories, Molecular Genetics and Genomics, ARUP Laboratories
Classification: Benign. Last evaluated: 2025-03-28. Review status: criteria provided, single submitter. Criteria: ARUP Molecular Germline Variant Investigation Process 2024. Collection method: clinical testing. Allele origin: germline. Not counted in ClinVar's aggregate classification.

Blueprint Genetics
Classification: Likely benign. Last evaluated: 2024-11-21. Review status: criteria provided, single submitter. Criteria: ACMG Guidelines, 2015. Collection method: clinical testing. Allele origin: germline. Not counted in ClinVar's aggregate classification.

Mayo Clinic Laboratories, Mayo Clinic
Classification: Benign. Last evaluated: 2024-06-04. Review status: criteria provided, single submitter. Criteria: ACMG Guidelines, 2015. Collection method: clinical testing. Allele origin: germline. Observed: 18 variant alleles. Not counted in ClinVar's aggregate classification.
Comment: BS1, BS2, BP4, BP7

CHEO Genetics Diagnostic Laboratory, Children's Hospital of Eastern Ontario
Classification: Benign for Cardiomyopathy. Last evaluated: 2018-12-03. Review status: criteria provided, single submitter. Criteria: ACMG Guidelines, 2015. Collection method: clinical testing. Allele origin: germline. Not counted in ClinVar's aggregate classification.

Athena Diagnostics
Classification: Benign. Last evaluated: 2018-08-29. Review status: criteria provided, single submitter. Criteria: Athena Diagnostics Criteria. Collection method: clinical testing. Allele origin: germline. Not counted in ClinVar's aggregate classification.

Illumina Laboratory Services, Illumina
Classification: Benign for MYH7-related skeletal myopathy. Last evaluated: 2018-01-12. Review status: criteria provided, single submitter. Criteria: ICSL Variant Classification Criteria 13 December 2019. Collection method: clinical testing. Allele origin: germline. Not counted in ClinVar's aggregate classification.
Comment: This variant was observed in the ICSL laboratory as part of a predisposition screen in an ostensibly healthy population. It had not been previously curated by ICSL or reported in the Human Gene Mutation Database (HGMD: prior to June 1st, 2018), and was therefore a candidate for classification through an automated scoring system. Utilizing variant allele frequency, disease prevalence and penetrance estimates, and inheritance mode, an automated score was calculated to assess if this variant is too frequent to cause the disease. Based on the score and internal cut-off values, a variant classified as benign is not then subjected to further curation. The score for this variant resulted in a classification of benign for this disease.

Illumina Laboratory Services, Illumina
Classification: Likely benign for Myosin storage myopathy. Last evaluated: 2018-01-12. Review status: criteria provided, single submitter. Criteria: ICSL Variant Classification Criteria 13 December 2019. Collection method: clinical testing. Allele origin: germline. Not counted in ClinVar's aggregate classification.
Comment: This variant was observed in the ICSL laboratory as part of a predisposition screen in an ostensibly healthy population. It had not been previously curated by ICSL or reported in the Human Gene Mutation Database (HGMD: prior to June 1st, 2018), and was therefore a candidate for classification through an automated scoring system. Utilizing variant allele frequency, disease prevalence and penetrance estimates, and inheritance mode, an automated score was calculated to assess if this variant is too frequent to cause the disease. Based on the score and internal cut-off values, a variant classified as likely benign is not then subjected to further curation. The score for this variant resulted in a classification of likely benign for this disease.

Illumina Laboratory Services, Illumina
Classification: Uncertain significance for Hypertrophic cardiomyopathy 1. Last evaluated: 2018-01-12. Review status: criteria provided, single submitter. Criteria: ICSL Variant Classification Criteria 13 December 2019. Collection method: clinical testing. Allele origin: germline. Not counted in ClinVar's aggregate classification.

Laboratory for Molecular Medicine, Mass General Brigham Personalized Medicine
Classification: Benign. Last evaluated: 2016-07-21. Review status: criteria provided, single submitter. Criteria: LMM Criteria. Collection method: clinical testing. Allele origin: germline. Observed: 47 variant alleles. Not counted in ClinVar's aggregate classification.
Comment: c.3853+7C>T in intron 28 of MYH7: This variant is not expected to have clinical significance because it is not located within the splice consensus sequence. It has been identified in 0.4% (239/66734) of European chromsomes by the Exome Aggr egation Consortium (ExAC; dbSNP rs45467397).

GeneDx
Classification: Benign. Last evaluated: 2015-03-03. Review status: criteria provided, single submitter. Criteria: GeneDx Variant Classification Process June 2021. Collection method: clinical testing. Allele origin: germline. Affected: yes. Not counted in ClinVar's aggregate classification.

PreventionGenetics, part of Exact Sciences
Classification: Benign. Review status: criteria provided, single submitter. Criteria: ACMG Guidelines, 2015. Collection method: clinical testing. Allele origin: germline. Not counted in ClinVar's aggregate classification.

Clinical Genetics DNA and cytogenetics Diagnostics Lab, Erasmus MC, Erasmus Medical Center
Classification: Benign. Review status: no assertion criteria provided. Collection method: clinical testing. Allele origin: germline. Affected: yes. Study: VKGL Data-share Consensus. Not counted in ClinVar's aggregate classification.

Clinical Genetics, Academic Medical Center
Classification: Benign. Review status: no assertion criteria provided. Collection method: clinical testing. Allele origin: germline. Affected: yes. Study: VKGL Data-share Consensus. Not counted in ClinVar's aggregate classification.

Diagnostic Laboratory, Department of Genetics, University Medical Center Groningen
Classification: Benign. Review status: no assertion criteria provided. Collection method: clinical testing. Allele origin: germline. Affected: yes. Study: VKGL Data-share Consensus. Not counted in ClinVar's aggregate classification.

Genome Diagnostics Laboratory, University Medical Center Utrecht
Classification: Benign. Review status: no assertion criteria provided. Collection method: clinical testing. Allele origin: germline. Affected: yes. Study: VKGL Data-share Consensus. Not counted in ClinVar's aggregate classification.

Joint Genome Diagnostic Labs from Nijmegen and Maastricht, Radboudumc and MUMC+
Classification: Benign. Review status: no assertion criteria provided. Collection method: clinical testing. Allele origin: germline. Affected: yes. Study: VKGL Data-share Consensus. Not counted in ClinVar's aggregate classification.

Literature cited by the submitters: PubMed 29300372 (cited by ClinGen Cardiomyopathy Variant Curation Expert Panel).